The following is an entry in ClinVar:

NM_018946.4(NANS):c.803T>C (p.Leu268Pro)

Genes: NANS (N-acetylneuraminate synthase; plus strand), TRIM14 (tripartite motif containing 14; minus strand). Cytogenetic location: 9q22.33.
Variant type: single nucleotide variant.
Coding change: c.803T>C on transcript NM_018946.4 (MANE Select); coding-DNA position 803, T replaced by C.
Protein change: p.Leu268Pro; replaces leucine 268 with proline.
Molecular consequence: missense variant.
Genome position (GRCh38, 1-based): chr9:98,081,015, T>C. VCF-style: chr9-98081015-T-C. GRCh37 (hg19) VCF-style: chr9-100843297-T-C.
Other names: short protein forms L268P.
Identifiers: ClinVar variation 1346827 (VCV001346827.8), dbSNP rs1388373086, ClinGen allele CA374201678.

ClinVar aggregate classification (germline): Uncertain significance (1 of 4 stars; one submission).

Allele frequency attached by ClinVar (database versions not stated): gnomAD exomes below 0.00001.
gnomAD v4.1: 1 of 1,614,218 alleles (0.000062%); highest among the groups gnomAD compares: Non-Finnish European, 0.000085%; no homozygotes.

Submission:

Labcorp Genetics (formerly Invitae), Labcorp
Classification: Uncertain significance. Last evaluated: 2021-06-06. Review status: criteria provided, single submitter. Criteria: Invitae Variant Classification Sherloc (09022015). Collection method: clinical testing. Allele origin: germline.
Comment: This variant has not been reported in the literature in individuals with NANS-related conditions. Algorithms developed to predict the effect of missense changes on protein structure and function are either unavailable or do not agree on the potential impact of this missense change (SIFT: "Deleterious"; PolyPhen-2: "Benign"; Align-GVGD: "Class C0"). In summary, the available evidence is currently insufficient to determine the role of this variant in disease. Therefore, it has been classified as a Variant of Uncertain Significance. This sequence change replaces leucine with proline at codon 268 of the NANS protein (p.Leu268Pro). The leucine residue is highly conserved and there is a moderate physicochemical difference between leucine and proline. This variant is not present in population databases (ExAC no frequency).